The following is an entry in ClinVar:

ClinVar aggregate classification (germline): other (0 of 4 stars; one submission).

Conditions:
Familial colorectal cancer. Identifiers: MedGen CN280943, MONDO:0023113. Disease mechanism: loss of function.

Submission:

Systems Biology Platform Zhejiang California International NanoSystems Institute
Classification: other for Familial colorectal cancer. Review status: no assertion criteria provided. Collection method: not provided. Allele origin: unknown.
ClinVar note: Converted during submission from cancer to other.

NM_000038.6(APC):c.-19+5505A>G

Gene: APC (APC regulator of WNT signaling pathway; plus strand). Cytogenetic location: 5q22.2.
Variant type: single nucleotide variant.
Coding change: c.-19+5505A>G on transcript NM_000038.6 (MANE Select); 5505 bases into the intron after 19 bases upstream of the start codon, A replaced by G.
Molecular consequence: intron variant.
Genome position (GRCh38, 1-based): chr5:112,743,430, A>G. VCF-style: chr5-112743430-A-G. GRCh37 (hg19) VCF-style: chr5-112079127-A-G.
Other names: c.-18-11443A>G (NM_001354895.2); c.166-22896A>G (NM_001354897.2, NM_001354902.2, NM_001127511.3); c.-19+4970A>G (NM_001127510.3); c.60+4970A>G (NM_001354898.2, NM_001354904.2); c.-1054+5505A>G (NM_001354906.2); c.-19+5505A>G (NM_001354896.2, NM_001354903.2, NM_001354899.2); c.-43+5505A>G (NM_001354900.2, NM_001354901.2, NM_001354905.2).
Identifiers: ClinVar variation 82347 (VCV000082347.2), dbSNP rs74943313, ClinGen allele CA006568.
Genomic context (GRCh38, chr5:112,743,430, plus strand): 5'-ATTTGGCCATCTTTGTGGGGCCATACACAGGCATACTCATCTGGTTCTCCATTTTTTTTA[A>G]GCTGAAGGATTTTTTTAGTTATTTTTACTTTTGCGAATGTGTGTTACTTTCTTTTGGTAA-3'